The following is an entry in ClinVar:

NM_006206.6(PDGFRA):c.1670T>G (p.Ile557Ser)

Gene: PDGFRA (platelet derived growth factor receptor alpha; plus strand). Cytogenetic location: 4q12.
Variant type: single nucleotide variant.
Coding change: c.1670T>G on transcript NM_006206.6 (MANE Select); coding-DNA position 1670, T replaced by G.
Protein change: p.Ile557Ser; replaces isoleucine 557 with serine.
Molecular consequence: missense variant.
Genome position (GRCh38, 1-based): chr4:54,274,857, T>G. VCF-style: chr4-54274857-T-G. GRCh37 (hg19) VCF-style: chr4-55141024-T-G.
Other names: c.1670T>G, p.Ile557Ser (NM_001347827.2, NM_001347829.2); c.1745T>G, p.Ile582Ser (NM_001347828.2); c.1709T>G, p.Ile570Ser (NM_001347830.2); short protein forms I557S, I570S, I582S.
Identifiers: ClinVar variation 1777685 (VCV001777685.2), dbSNP rs2110299334, ClinGen allele CA356893052.

ClinVar aggregate classification (germline): Uncertain significance (1 of 4 stars; one submission).

Conditions:
Hereditary cancer-predisposing syndrome. Also called: Neoplastic Syndromes, Hereditary; Tumor predisposition; Hereditary Cancer Syndrome; Hereditary neoplastic syndrome. Identifiers: Orphanet 140162, MedGen C0027672, MeSH D009386, MONDO:0015356.

Submission:

Ambry Genetics
Classification: Uncertain significance for Hereditary cancer-predisposing syndrome. Last evaluated: 2021-12-10. Review status: criteria provided, single submitter. Criteria: Ambry Variant Classification Scheme 2023. Collection method: clinical testing. Allele origin: germline.
Comment: The p.I557S variant (also known as c.1670T>G), located in coding exon 11 of the PDGFRA gene, results from a T to G substitution at nucleotide position 1670. The isoleucine at codon 557 is replaced by serine, an amino acid with dissimilar properties. This amino acid position is conserved. In addition, this alteration is predicted to be deleterious by in silico analysis. Since supporting evidence is limited at this time, the clinical significance of this alteration remains unclear.